The following is an entry in ClinVar:

NM_006035.4(CDC42BPB):c.4041C>T (p.Ala1347=)

Gene: CDC42BPB (CDC42 binding protein kinase beta; minus strand). Cytogenetic location: 14q32.32.
Variant type: single nucleotide variant.
Coding change: c.4041C>T on transcript NM_006035.4 (MANE Select); coding-DNA position 4041, C replaced by T.
Protein change: p.Ala1347=; no amino-acid change (alanine 1347 retained).
Molecular consequence: synonymous variant.
Genome position (GRCh38, 1-based): chr14:102,944,258, G>A on the plus strand (C>T on the coding strand, the complement: CDC42BPB is on the minus strand). VCF-style: chr14-102944258-G-A. GRCh37 (hg19) VCF-style: chr14-103410595-G-A.
Other names: c.3963C>T, p.Ala1321= (NM_001411054.1).
Identifiers: ClinVar variation 3060624 (VCV003060624.2), dbSNP rs35828352, ClinGen allele CA7360538.

ClinVar aggregate classification (germline): Benign (0 of 4 stars; one submission).

Conditions:
CDC42BPB-related disorder.

Allele frequency attached by ClinVar (database versions not stated): gnomAD exomes 0.00062; ExAC 0.00193; gnomAD 0.00582; ESP Exome Variant Server 0.00661; 1000 Genomes Project 0.00699; TOPMed 0.00707; 1000 Genomes Project 30x 0.00812.
gnomAD v4.1: 1,848 of 1,613,254 alleles (0.11%); highest among the groups gnomAD compares: African/African-American, 2.2%; 20 homozygotes.

Submission:

PreventionGenetics, part of Exact Sciences
Classification: Benign for CDC42BPB-related condition. Last evaluated: 2019-05-03. Review status: no assertion criteria provided. Collection method: clinical testing. Allele origin: germline.
Comment: This variant is classified as benign based on ACMG/AMP sequence variant interpretation guidelines (Richards et al. 2015 PMID: 25741868, with internal and published modifications).